The following is an entry in ClinVar:

ClinVar aggregate classification (germline): Benign/Likely benign. Review status: criteria provided, multiple submitters, no conflicts (2 of 4 stars). 2 submissions from 2 submitters: Benign (1); Likely benign (1). Last evaluated 2024-12-17.

Conditions:
Hereditary cancer-predisposing syndrome. Also called: Neoplastic Syndromes, Hereditary; Tumor predisposition; Hereditary Cancer Syndrome; Hereditary neoplastic syndrome. Identifiers: Orphanet 140162, MedGen C0027672, MeSH D009386, MONDO:0015356.
Lynch syndrome 5 (LYNCH5). Also called: Colorectal cancer, hereditary nonpolyposis, type 5; Hereditary non-polyposis colorectal cancer, type 5. Identifiers: Orphanet 144, MedGen C1833477, MONDO:0013710, OMIM 614350. Disease mechanism: loss of function.

Submissions (2):

Myriad Genetics, Inc.
Classification: Benign for Lynch syndrome 5. Last evaluated: 2024-12-17. Review status: criteria provided, single submitter. Criteria: Myriad Autosomal Dominant, Autosomal Recessive and X-Linked Classification Criteria (2023). Collection method: clinical testing. Allele origin: unknown.
Comment: This variant is considered benign. This variant is a silent/synonymous amino acid change and it is not expected to impact splicing.

Ambry Genetics
Classification: Likely benign for Hereditary cancer-predisposing syndrome. Last evaluated: 2014-10-28. Review status: criteria provided, single submitter. Criteria: Ambry Variant Classification Scheme 2023. Collection method: clinical testing. Allele origin: germline.

Literature cited by the submitters: PubMed 8838326 (cited by Ambry Genetics).

NM_000179.3(MSH6):c.108T>C (p.Ala36=)

Gene: MSH6 (mutS homolog 6; plus strand). Cytogenetic location: 2p16.3.
Variant type: single nucleotide variant.
Coding change: c.108T>C on transcript NM_000179.3 (MANE Select); coding-DNA position 108, T replaced by C.
Protein change: p.Ala36=; no amino-acid change (alanine 36 retained).
Molecular consequence: synonymous variant. On other transcripts: 5 prime UTR variant (1).
Genome position (GRCh38, 1-based): chr2:47,783,341, T>C. VCF-style: chr2-47783341-T-C. GRCh37 (hg19) VCF-style: chr2-48010480-T-C.
Other names: c.108T>C, p.Ala36= (NM_001281492.2); c.-629T>C (NM_001281493.2).
Identifiers: ClinVar variation 186859 (VCV000186859.6), dbSNP rs63750213, ClinGen allele CA007994.
Genomic context (GRCh38, chr2:47,783,341, plus strand): 5'-GCTGAGTGATGCCAACAAGGCCTCGGCCAGGGCCTCACGCGAAGGCGGCCGTGCCGCCGC[T>C]GCCCCCGGGGCCTCTCCTTCCCCAGGCGGGGATGCGGCCTGGAGCGAGGCTGGGCCTGGG-3'
Protein context (NP_000170.1, residues 26-46): RASREGGRAA[Ala36=]APGASPSPGG